The following is an entry in ClinVar:

ClinVar aggregate classification (germline): Uncertain significance (1 of 4 stars; one submission).

Conditions:
Hereditary cancer-predisposing syndrome. Also called: Tumor predisposition; Neoplastic Syndromes, Hereditary; Hereditary Cancer Syndrome; Hereditary neoplastic syndrome. Identifiers: Orphanet 140162, MedGen C0027672, MeSH D009386, MONDO:0015356.

Submission:

Ambry Genetics
Classification: Uncertain significance for Hereditary cancer-predisposing syndrome. Last evaluated: 2024-11-14. Review status: criteria provided, single submitter. Criteria: Ambry Variant Classification Scheme 2023. Collection method: clinical testing. Allele origin: germline.
Comment: The p.G972S variant (also known as c.2914G>A), located in coding exon 14 of the BLM gene, results from a G to A substitution at nucleotide position 2914. The glycine at codon 972 is replaced by serine, an amino acid with similar properties. This amino acid position is highly conserved in available vertebrate species. In addition, this alteration is predicted to be deleterious by in silico analysis. Based on the available evidence, the clinical significance of this variant remains unclear.

NM_000057.4(BLM):c.2914G>A (p.Gly972Ser)

Gene: BLM (BLM RecQ like helicase; plus strand). Cytogenetic location: 15q26.1.
Variant type: single nucleotide variant.
Coding change: c.2914G>A on transcript NM_000057.4 (MANE Select); coding-DNA position 2914, G replaced by A.
Protein change: p.Gly972Ser; replaces glycine 972 with serine.
Molecular consequence: missense variant.
Genome position (GRCh38, 1-based): chr15:90,790,739, G>A. VCF-style: chr15-90790739-G-A. GRCh37 (hg19) VCF-style: chr15-91333969-G-A.
Other names: c.2914G>A, p.Gly972Ser (NM_001287246.2, NM_001287247.2); c.1789G>A, p.Gly597Ser (NM_001287248.2); short protein forms G597S, G972S.
Identifiers: ClinVar variation 3480892 (VCV003480892.1).